The following is an entry in ClinVar:

ClinVar aggregate classification (germline): Conflicting classifications of pathogenicity. Review status: criteria provided, conflicting classifications (1 of 4 stars). 4 submissions from 4 submitters: Uncertain significance (1); Likely benign (3). Last evaluated 2026-06-01.

Conditions:
Autosomal recessive ataxia due to ubiquinone deficiency. Also called: Coenzyme Q10 deficiency, primary, 4; SPINOCEREBELLAR ATAXIA, AUTOSOMAL RECESSIVE 9. Identifiers: Orphanet 139485, MedGen C2677589, MONDO:0012784, OMIM 612016.

Allele frequency attached by ClinVar (database versions not stated): TOPMed 0.00003; gnomAD exomes 0.00004 and 0.00006; gnomAD 0.00005; ExAC 0.00006.
gnomAD v4.1: 57 of 1,611,980 alleles (0.0035%); highest among the groups gnomAD compares: Admixed American, 0.013%; no homozygotes.

Submissions (4):

CeGaT Center for Human Genetics Tuebingen
Classification: Likely benign. Last evaluated: 2026-06-01. Review status: criteria provided, single submitter. Criteria: CeGaT Center For Human Genetics Tuebingen Variant Classification Criteria Version 2. Collection method: clinical testing. Allele origin: germline. Affected: yes. Observed: 4 variant alleles.
Comment: COQ8A: BP4, BP7

Labcorp Genetics (formerly Invitae), Labcorp
Classification: Likely benign. Last evaluated: 2025-12-11. Review status: criteria provided, single submitter. Criteria: Invitae Variant Classification Sherloc (09022015). Collection method: clinical testing. Allele origin: germline.

Mayo Clinic Laboratories, Mayo Clinic
Classification: Likely benign. Last evaluated: 2025-11-13. Review status: criteria provided, single submitter. Criteria: ACMG Guidelines, 2015. Collection method: clinical testing. Allele origin: germline. Observed: 2 variant alleles.
Comment: BP4, BP7

Illumina Laboratory Services, Illumina
Classification: Uncertain significance for Autosomal recessive ataxia due to ubiquinone deficiency. Last evaluated: 2018-01-12. Review status: criteria provided, single submitter. Criteria: ICSL Variant Classification Criteria 13 December 2019. Collection method: clinical testing. Allele origin: germline.

NM_020247.5(COQ8A):c.798G>A (p.Thr266=)

Gene: COQ8A (coenzyme Q8A; plus strand). Cytogenetic location: 1q42.13.
Variant type: single nucleotide variant.
Coding change: c.798G>A on transcript NM_020247.5 (MANE Select); coding-DNA position 798, G replaced by A.
Protein change: p.Thr266=; no amino-acid change (threonine 266 retained).
Molecular consequence: synonymous variant.
Genome position (GRCh38, 1-based): chr1:226,982,094, G>A. VCF-style: chr1-226982094-G-A. GRCh37 (hg19) VCF-style: chr1-227169795-G-A.
Other names: p.Thr266=.
Identifiers: ClinVar variation 296014 (VCV000296014.53), dbSNP rs750042754, ClinGen allele CA1425161.
Genomic context (GRCh38, chr1:226,982,094, plus strand): 5'-GGCCGTGCTGGGTTCCAGTCCTTTCCTGTCCGAGGCCAATGCAGAGCGGATCGTGCGCAC[G>A]CTCTGCAAGGTGCGTGGTGCGGCACTCAAGCTGGGCCAGATGCTGAGCATCCAGGGTGAG-3'
Protein context (NP_064632.2, residues 256-276): SEANAERIVR[Thr266=]LCKVRGAALK